The following is an entry in ClinVar:

ClinVar aggregate classification (germline): Uncertain significance (0 of 4 stars; one submission).

Conditions:
Fanconi anemia complementation group A (FANCA). Also called: Fanconi anemia, group A; FANCA-Related Fanconi Anemia. Identifiers: Orphanet 84, MedGen C3469521, MONDO:0009215, OMIM 227650.

Submission:

Leiden Open Variation Database
Classification: Uncertain significance for Fanconi anemia complementation group A. Last evaluated: 2020-02-28. Review status: no assertion criteria provided. Collection method: curation. Allele origin: germline. Affected: yes.
Comment: Curator: Arleen D. Auerbach. Submitter to LOVD: Arleen D. Auerbach.

NC_000016.10:g.(89739290_89739477)_(89811072_89814519)del

Genes: FANCA (FA complementation group A; minus strand), ZNF276 (zinc finger protein 276; plus strand). Cytogenetic location: 16q24.3.
Variant type: Deletion.
Identifiers: ClinVar variation 974094 (VCV000974094.1).